The following is an entry in ClinVar:

NM_198576.4(AGRN):c.1089C>T (p.Thr363=)

Gene: AGRN (agrin; plus strand). Cytogenetic location: 1p36.33.
Variant type: single nucleotide variant.
Coding change: c.1089C>T on transcript NM_198576.4 (MANE Select); coding-DNA position 1089, C replaced by T.
Protein change: p.Thr363=; no amino-acid change (threonine 363 retained).
Molecular consequence: synonymous variant.
Genome position (GRCh38, 1-based): chr1:1,041,614, C>T. VCF-style: chr1-1041614-C-T. GRCh37 (hg19) VCF-style: chr1-976994-C-T.
Other names: c.1089C>T, p.Thr363= (NM_001305275.2); c.774C>T, p.Thr258= (NM_001364727.2).
Identifiers: ClinVar variation 736855 (VCV000736855.10), dbSNP rs779950946, ClinGen allele CA508005.

ClinVar aggregate classification (germline): Likely benign. Review status: criteria provided, multiple submitters, no conflicts (2 of 4 stars). 2 submissions from 2 submitters: Likely benign (2). Last evaluated 2026-09-01.

Conditions:
Congenital myasthenic syndrome 8. Also called: Myasthenic syndrome, congenital, 8, with pre- and postsynaptic defects; MYASTHENIC SYNDROME, CONGENITAL, DUE TO AGRIN DEFICIENCY. Identifiers: Orphanet 590, MedGen C3808739, MONDO:0014052, OMIM 615120.

Allele frequency attached by ClinVar (database versions not stated): gnomAD 0.00001; gnomAD exomes 0.00001 and 0.00002; TOPMed 0.00002; ExAC 0.00003.
gnomAD v4.1: 18 of 1,611,306 alleles (0.0011%); highest among the groups gnomAD compares: South Asian, 0.0011%; no homozygotes.

Submissions (2):

CeGaT Center for Human Genetics Tuebingen
Classification: Likely benign. Last evaluated: 2026-09-01. Review status: criteria provided, single submitter. Criteria: CeGaT Center For Human Genetics Tuebingen Variant Classification Criteria Version 2. Collection method: clinical testing. Allele origin: germline. Affected: yes. Observed: 1 variant allele.
Comment: AGRN: BP4, BP7

Labcorp Genetics (formerly Invitae), Labcorp
Classification: Likely benign for Congenital myasthenic syndrome 8. Last evaluated: 2025-11-25. Review status: criteria provided, single submitter. Criteria: Invitae Variant Classification Sherloc (09022015). Collection method: clinical testing. Allele origin: germline.